The following is an entry in ClinVar:

NM_007294.4(BRCA1):c.4282del (p.Ser1428fs)

Gene: BRCA1 (BRCA1 DNA repair associated; minus strand). Cytogenetic location: 17q21.31.
Variant type: Deletion.
Coding change: c.4282del on transcript NM_007294.4 (MANE Select); coding-DNA position 4282, one base deleted (A; older notation c.4282delA).
Protein change: p.Ser1428fs; shifts the reading frame from serine 1428.
Molecular consequence: frameshift variant. On other transcripts: non-coding transcript variant (1).
Genome position (GRCh38, 1-based): chr17:43,082,479, T deleted on the plus strand (A on the coding strand, the reverse complement: BRCA1 is on the minus strand). VCF-style (leftmost placement, unchanged base first): chr17-43082478-CT-C. GRCh37 (hg19) VCF-style: chr17-41234495-CT-C.
Other names: c.4141delA, p.Ser1381Alafs (NM_001407739.1, NM_001407698.1, NM_001407724.1 and 22 more transcripts); c.760delA, p.Ser254Alafs (NM_001408492.1, NM_001408493.1, NM_001408489.1 and 3 more transcripts); c.709delA, p.Ser237Alafs (NM_001408499.1, NM_001408500.1, NM_001408496.1 and 3 more transcripts); c.730delA, p.Ser244Alafs (NM_001408495.1); c.733delA, p.Ser245Alafs (NM_001408494.1); c.4138delA, p.Ser1380Alafs (NM_001407740.1, NM_001407744.1, NM_001407742.1 and 23 more transcripts); c.4135delA, p.Ser1379Alafs (NM_001407847.1, NM_001407848.1, NM_001407849.1); c.4069delA, p.Ser1357Alafs (NM_001407853.1, NM_001407894.1, NM_001407895.1 and 12 more transcripts); and 54 more; short protein forms S325fs, S1381fs, S1428fs.
Identifiers: ClinVar variation 481454 (VCV000481454.18), dbSNP rs1555584125, ClinGen allele CA658656655.

ClinVar aggregate classification (germline): Pathogenic. Review status: criteria provided, multiple submitters, no conflicts (2 of 4 stars). 3 submissions from 3 submitters: Pathogenic (3). Last evaluated 2023-12-06.

Conditions:
Hereditary cancer-predisposing syndrome. Also called: Hereditary Cancer Syndrome; Neoplastic Syndromes, Hereditary; Tumor predisposition; Hereditary neoplastic syndrome. Identifiers: Orphanet 140162, MedGen C0027672, MeSH D009386, MONDO:0015356.
Hereditary breast ovarian cancer syndrome. Also called: Hereditary breast and ovarian cancer syndrome; Hereditary breast and ovarian cancer; Hereditary breast and ovarian cancer syndrome (HBOC); Breast and ovarian cancer; Hereditary breast and/or ovarian cancer syndrome; BRCA1- and BRCA2-Associated Hereditary Breast and Ovarian Cancer. Identifiers: Orphanet 145, MedGen C0677776, MeSH D061325, MONDO:0003582. Disease mechanism: loss of function.

Submissions (3):

Ambry Genetics
Classification: Pathogenic for Hereditary cancer-predisposing syndrome. Last evaluated: 2023-12-06. Review status: criteria provided, single submitter. Criteria: Ambry Variant Classification Scheme 2023. Collection method: clinical testing. Allele origin: germline.
Comment: The c.4282delA pathogenic mutation, located in coding exon 11 of the BRCA1 gene, results from a deletion of one nucleotide at nucleotide position 4282, causing a translational frameshift with a predicted alternate stop codon (p.S1428Afs*6). In addition to the clinical data presented in the literature, this alteration is expected to result in loss of function by premature protein truncation or nonsense-mediated mRNA decay. As such, this alteration is interpreted as a disease-causing mutation.

Labcorp Genetics (formerly Invitae), Labcorp
Classification: Pathogenic for Hereditary breast ovarian cancer syndrome. Last evaluated: 2021-09-18. Review status: criteria provided, single submitter. Criteria: Invitae Variant Classification Sherloc (09022015). Collection method: clinical testing. Allele origin: germline.
Comment: For these reasons, this variant has been classified as Pathogenic. ClinVar contains an entry for this variant (Variation ID: 481454). This variant is also known as 4401delA. This premature translational stop signal has been observed in individual(s) with breast cancer (PMID: 10359546). This variant is not present in population databases (ExAC no frequency). This sequence change creates a premature translational stop signal (p.Ser1428Alafs*6) in the BRCA1 gene. It is expected to result in an absent or disrupted protein product. Loss-of-function variants in BRCA1 are known to be pathogenic (PMID: 20104584).

Color Diagnostics, LLC DBA Color Health
Classification: Pathogenic for Hereditary cancer-predisposing syndrome. Last evaluated: 2021-01-08. Review status: criteria provided, single submitter. Criteria: ACMG Guidelines, 2015. Collection method: clinical testing. Allele origin: germline.
Comment: This variant deletes 1 nucleotide in exon 12 of the BRCA1 gene, creating a frameshift and premature translation stop signal. This variant is expected to result in an absent or non-functional protein product. To our knowledge, functional studies have not been reported for this variant. This variant has been observed in an individual affected with early-onset breast cancer (PMID: 10359546). This variant has not been identified in the general population by the Genome Aggregation Database (gnomAD). Loss of BRCA1 function is a known mechanism of disease. Based on the available evidence, this variant is classified as Pathogenic.

Literature cited by the submitters: PubMed 10359546 (cited by Ambry Genetics and Labcorp Genetics (formerly Invitae), Labcorp); PubMed 20104584 (cited by Labcorp Genetics (formerly Invitae), Labcorp).